The following is an entry in ClinVar:

NM_000501.4(ELN):c.2132-13_2132-11delinsAAA

Gene: ELN (elastin; plus strand). Cytogenetic location: 7q11.23.
Variant type: Indel.
Coding change: c.2132-13_2132-11delinsAAA on transcript NM_000501.4 (MANE Select); 13 bases into the intron before coding-DNA position 2132 through 11 bases into the intron before coding-DNA position 2132, TCC replaced by AAA.
Molecular consequence: intron variant.
Genome position (GRCh38, 1-based): chr7:74,068,644-74,068,646, TCC replaced by AAA. VCF-style: chr7-74068644-TCC-AAA. GRCh37 (hg19) VCF-style: chr7-73482974-TCC-AAA.
Other names: c.2093-13_2093-11delinsAAA (NM_001081754.3); c.2036-13_2036-11delinsAAA (NM_001081753.3); c.2318-13_2318-11delinsAAA (NM_001278939.2); c.2150-13_2150-11delinsAAA (NM_001278915.2); c.2078-13_2078-11delinsAAA (NM_001278912.2); c.2075-13_2075-11delinsAAA (NM_001081755.3); c.1934-13_1934-11delinsAAA (NM_001278916.2); c.1889-13_1889-11delinsAAA (NM_001278913.2); and 4 more.
Identifiers: ClinVar variation 1329655 (VCV001329655.2), dbSNP rs2132826181, ClinGen allele CA2573052918.

ClinVar aggregate classification (germline): Uncertain significance (1 of 4 stars; one submission).

Submission:

GeneDx
Classification: Uncertain significance. Last evaluated: 2021-06-21. Review status: criteria provided, single submitter. Criteria: GeneDx Variant Classification Process June 2021. Collection method: clinical testing. Allele origin: germline. Affected: yes.
Comment: Has not been previously published as pathogenic or benign to our knowledge; Not observed at significant frequency in large population cohorts (Lek et al., 2016); In-silico analysis, which includes splice predictors and evolutionary conservation, suggeststhat thisvariant may altergene splicing. In the absence of RNA/functional studies, the actual effect of this sequence change is unknown.; This variant is associated with the following publications: (PMID: 27535533)